The following is an entry in ClinVar:

NM_000264.5(PTCH1):c.290del (p.Asn97fs)

Gene: PTCH1 (patched 1; minus strand). Cytogenetic location: 9q22.32.
Variant type: Deletion.
Coding change: c.290del on transcript NM_000264.5 (MANE Select); coding-DNA position 290, one base deleted (A; older notation c.290delA).
Protein change: p.Asn97fs; shifts the reading frame from asparagine 97.
Molecular consequence: frameshift variant. On other transcripts: non-coding transcript variant (1), 5 prime UTR variant (4).
Genome position (GRCh38, 1-based): chr9:95,506,511, T deleted on the plus strand (A on the coding strand, the reverse complement: PTCH1 is on the minus strand); the first of 7 consecutive T bases (chr9:95,506,511-95,506,517); deleting any one gives the same sequence. VCF-style (leftmost placement, unchanged base first): chr9-95506510-GT-G. GRCh37 (hg19) VCF-style: chr9-98268792-GT-G.
Other names: c.290del, p.Asn97fs (NM_001354918.2); c.92del, p.Asn31fs (NM_001354919.2, NM_001083602.3); c.287del, p.Asn96fs (NM_001083603.3); c.-164del (NM_001083604.3, NM_001083605.3, NM_001083606.3 and 1 more transcripts); short protein forms N31fs, N96fs, N97fs.
Identifiers: ClinVar variation 488582 (VCV000488582.13), dbSNP rs1554708751, ClinGen allele CA645560459.
Genomic context (GRCh38, chr9:95,506,510, plus strand): 5'-TTTTAATCCCACCGCGAAGGCCCCAAATATGAGGAGGCCCACAACCAAGAACTTGCCGCA[GT>G]TTTTTTGAATGTAACAACCCAGTTTAAATAAGAGTCTCTGAAACTTCGCTCTCAGCCACA-3'

ClinVar aggregate classification (germline): Pathogenic/Likely pathogenic. Review status: criteria provided, multiple submitters, no conflicts (2 of 4 stars). 3 submissions from 3 submitters: Pathogenic (2); Likely pathogenic (1). Last evaluated 2023-10-24.

Conditions:
Basal cell nevus syndrome 1 (BCNS1). Also called: GORLIN-GOLTZ SYNDROME; MULTIPLE BASAL CELL NEVI, ODONTOGENIC KERATOCYSTS, AND SKELETAL ANOMALIES. Identifiers: MedGen CN376810, MONDO:0958174, OMIM 109400.
Gorlin syndrome. Also called: Basal cell nevus syndrome; Nevoid Basal Cell Carcinoma Syndrome. Identifiers: Orphanet 377, MedGen C0004779, MONDO:0007187.

Submissions (3):

Labcorp Genetics (formerly Invitae), Labcorp
Classification: Pathogenic for Gorlin syndrome. Last evaluated: 2023-10-24. Review status: criteria provided, single submitter. Criteria: Invitae Variant Classification Sherloc (09022015). Collection method: clinical testing. Allele origin: germline.
Comment: This sequence change creates a premature translational stop signal (p.Asn97Thrfs*20) in the PTCH1 gene. It is expected to result in an absent or disrupted protein product. Loss-of-function variants in PTCH1 are known to be pathogenic (PMID: 16301862, 16419085). This variant is not present in population databases (gnomAD no frequency). This premature translational stop signal has been observed in individuals with clinical features of basal cell nevus syndrome (PMID: 16906569, 30754660). This variant is also known as c.278delA. ClinVar contains an entry for this variant (Variation ID: 488582). For these reasons, this variant has been classified as Pathogenic.

Institute of Human Genetics Munich, TUM University Hospital
Classification: Pathogenic for Basal cell nevus syndrome 1. Last evaluated: 2017-11-08. Review status: criteria provided, single submitter. Criteria: Classification criteria August 2017. Collection method: clinical testing. Allele origin: de novo. Inheritance: Autosomal dominant inheritance. Affected: yes. Observed: 1 heterozygote.

Kasturba Medical College, Manipal, Kasturba Medical College, Manipal, Manipal Academy of Higher Education, Manipal, India
Classification: Likely pathogenic for Basal cell nevus syndrome 1. Review status: criteria provided, single submitter. Criteria: ACMG Guidelines, 2015. Collection method: research. Allele origin: maternal. Inheritance: Autosomal dominant inheritance. Affected: yes. Observed: 1 heterozygote.
Comment: This variant is present in one individual in heterozygous state and absent in homozygous state in the population database gnomAD (v4.1.0). This same variant is absent in heterozygous and/or homozygous state in our in-house database of 3565 exomes. This deletion is likely to cause a shift in the reading frame and result in premature truncation of the transcript which can either lead to nonsense-mediated mRNA decay or the formation of a truncated protein product. This same variant is also reported in ClinVar with two submissions as pathogenic (ClinVar Accession: VCV000488582.11). Variable expressivity and complete penetrance have been reported in individuals with basal cell nevus syndrome 1 (Martinez et al., 2019).

Literature cited by the submitters: PubMed 16301862 (cited by Labcorp Genetics (formerly Invitae), Labcorp); PubMed 16419085 (cited by Labcorp Genetics (formerly Invitae), Labcorp); PubMed 16906569 (cited by Labcorp Genetics (formerly Invitae), Labcorp); PubMed 30754660 (cited by Labcorp Genetics (formerly Invitae), Labcorp and Kasturba Medical College, Manipal, Kasturba Medical College, Manipal, Manipal Academy of Higher Education, Manipal, India).